The following is an entry in ClinVar:

NM_001048174.2(MUTYH):c.148C>A (p.Gln50Lys)

Gene: MUTYH (mutY DNA glycosylase; minus strand). Cytogenetic location: 1p34.1.
Variant type: single nucleotide variant.
Coding change: c.148C>A on transcript NM_001048174.2 (MANE Select); coding-DNA position 148, C replaced by A.
Protein change: p.Gln50Lys; replaces glutamine 50 with lysine.
Molecular consequence: missense variant. On other transcripts: 5 prime UTR variant (1), non-coding transcript variant (5), intron variant (5).
Genome position (GRCh38, 1-based): chr1:45,333,529, G>T on the plus strand (C>A on the coding strand, the complement: MUTYH is on the minus strand). VCF-style: chr1-45333529-G-T. GRCh37 (hg19) VCF-style: chr1-45799201-G-T.
Other names: c.148C>A, p.Gln50Lys (NM_001048171.2, NM_001048173.2, NM_001293195.2 and 6 more transcripts); c.151C>A, p.Gln51Lys (NM_001048172.2, NM_001407071.1, NM_001407078.1 and 2 more transcripts); c.232C>A, p.Gln78Lys (NM_001128425.2); c.193C>A, p.Gln65Lys (NM_001293190.2); c.181C>A, p.Gln61Lys (NM_001293191.2, NM_001407077.1); c.-124C>A (NM_001350650.2); c.223C>A, p.Gln75Lys (NM_001407069.1, NM_012222.3); c.190C>A, p.Gln64Lys (NM_001407073.1, NM_001407083.1, NM_001407085.1); and 4 more; short protein forms Q22K, Q64K, Q65K, Q78K, Q51K, Q75K, Q57K, Q61K.
Identifiers: ClinVar variation 4113535 (VCV004113535.1).
Genomic context (GRCh38, chr1:45,333,529, plus strand): 5'-CTCGGAAGGCTGTGACTTCAGCTACGTCTCTGAATAGATGGTATGAGGAGACAGAGGCCT[G>T]CAATACCACCTCTTCCGGCTGCCTGGCCAGGCCTGCTGGGGCCCCAGGACACTCAGCAAT-3'
Protein context (NP_001041639.1, residues 40-60): LARQPEEVVL[Gln50Lys]ASVSSYHLFR

ClinVar aggregate classification (germline): Uncertain significance (1 of 4 stars; one submission).

Conditions:
Hereditary cancer-predisposing syndrome. Also called: Hereditary neoplastic syndrome; Neoplastic Syndromes, Hereditary; Tumor predisposition; Hereditary Cancer Syndrome. Identifiers: Orphanet 140162, MedGen C0027672, MeSH D009386, MONDO:0015356.

Submission:

Ambry Genetics
Classification: Uncertain significance for Hereditary cancer-predisposing syndrome. Last evaluated: 2025-08-27. Review status: criteria provided, single submitter. Criteria: Ambry Variant Classification Scheme 2023. Collection method: clinical testing. Allele origin: germline.
Comment: The p.Q78K variant (also known as c.232C>A), located in coding exon 3 of the MUTYH gene, results from a C to A substitution at nucleotide position 232. The glutamine at codon 78 is replaced by lysine, an amino acid with similar properties. This amino acid position is conserved. In addition, this alteration is predicted to be tolerated by in silico analysis. Based on the available evidence, the clinical significance of this variant remains unclear.